The following is an entry in ClinVar:

ClinVar aggregate classification (germline): Pathogenic. Review status: criteria provided, multiple submitters, no conflicts (2 of 4 stars). 2 submissions from 2 submitters: Pathogenic (2). Last evaluated 2026-01-19.

Conditions:
Congenital lipoid adrenal hyperplasia due to STAR deficency. Also called: Lipoid adrenal hyperplasia; Cholesterol monooxygenase (side-chain cleaving) deficiency; ADRENAL HYPERPLASIA I; Congenital Lipoid Adrenal Hyperplasia. Identifiers: Orphanet 418, Orphanet 90790, MedGen C0342474, MONDO:0008725, OMIM 201710.

Submissions (2):

Women's Health and Genetics/Laboratory Corporation of America, LabCorp
Classification: Pathogenic for Congenital lipoid adrenal hyperplasia due to STAR deficency. Last evaluated: 2026-01-19. Review status: criteria provided, single submitter. Criteria: LabCorp Variant Classification Summary - May 2015. Collection method: clinical testing. Allele origin: germline.
Comment: Variant summary: STAR c.661_713dup53 (p.Leu239ValfsX100) causes a frameshift which results in an extension of the protein. The variant was absent in 251482 control chromosomes. To our knowledge, no occurrence of c.661_713dup53 in individuals affected with STAR-related conditions and no experimental evidence demonstrating its impact on protein function have been reported. However, this variant disrupts a region of the STAR protein in which other variant(s) (e.g. c.824T>C, p.Leu275Pro; c.811del, p.Leu271fs) have been determined to be pathogenic internally. ClinVar contains an entry for this variant (Variation ID: 2039092). Based on the evidence outlined above, the variant was classified as pathogenic.

Labcorp Genetics (formerly Invitae), Labcorp
Classification: Pathogenic. Last evaluated: 2021-12-09. Review status: criteria provided, single submitter. Criteria: Invitae Variant Classification Sherloc (09022015). Collection method: clinical testing. Allele origin: germline.
Comment: This sequence change results in a frameshift in the STAR gene (p.Leu239Valfs*100). While this is not anticipated to result in nonsense mediated decay, it is expected to disrupt the last 47 amino acid(s) of the STAR protein and extend the protein by 52 additional amino acid residues. This variant is not present in population databases (gnomAD no frequency). This variant has not been reported in the literature in individuals affected with STAR-related conditions. Algorithms developed to predict the effect of sequence changes on RNA splicing suggest that this variant may create or strengthen a splice site. This variant disrupts a region of the STAR protein in which other variant(s) (p.Leu275Pro) have been determined to be pathogenic (PMID: 8948562, 11279152, 15666846, 18729825). This suggests that this is a clinically significant region of the protein, and that variants that disrupt it are likely to be disease-causing. For these reasons, this variant has been classified as Pathogenic.

Literature cited by the submitters: PubMed 8948562 (cited by Labcorp Genetics (formerly Invitae), Labcorp); PubMed 11279152 (cited by Labcorp Genetics (formerly Invitae), Labcorp); PubMed 15666846 (cited by Labcorp Genetics (formerly Invitae), Labcorp); PubMed 18729825 (cited by Labcorp Genetics (formerly Invitae), Labcorp).

NM_000349.3(STAR):c.661_713dup (p.Leu239fs)

Gene: STAR (steroidogenic acute regulatory protein; minus strand). Cytogenetic location: 8p11.23.
Variant type: Duplication.
Coding change: c.661_713dup on transcript NM_000349.3 (MANE Select); coding-DNA positions 661 to 713, 53 bases duplicated.
Protein change: p.Leu239fs; shifts the reading frame from leucine 239.
Molecular consequence: frameshift variant.
Genome position (GRCh38, 1-based): chr8:38,145,253-38,145,305, 53 bases duplicated. GRCh37 (hg19): chr8:38,002,771-38,002,823.
Other names: c.661_713dup53 (NM_000349.3); short protein forms L239fs.
Identifiers: ClinVar variation 2039092 (VCV002039092.5), dbSNP rs2487059083, ClinGen allele CA2580078216.